The following is an entry in ClinVar:

ClinVar aggregate classification (germline): Pathogenic (1 of 4 stars; one submission).

Submission:

GeneDx
Classification: Pathogenic. Last evaluated: 2020-06-18. Review status: criteria provided, single submitter. Criteria: GeneDx Variant Classification Process June 2021. Collection method: clinical testing. Allele origin: germline. Affected: yes.
Comment: Not observed in large population cohorts (Lek et al., 2016); In silico analysis, which includes protein predictors and evolutionary conservation, supports a deleterious effect; This variant is associated with the following publications: (PMID: 29365063)

NM_007327.4(GRIN1):c.1658C>T (p.Ser553Leu)

Gene: GRIN1 (glutamate ionotropic receptor NMDA type subunit 1; plus strand). Cytogenetic location: 9q34.3.
Variant type: single nucleotide variant.
Coding change: c.1658C>T on transcript NM_007327.4 (MANE Select); coding-DNA position 1658, C replaced by T.
Protein change: p.Ser553Leu; replaces serine 553 with leucine.
Molecular consequence: missense variant.
Genome position (GRCh38, 1-based): chr9:137,162,197, C>T. VCF-style: chr9-137162197-C-T. GRCh37 (hg19) VCF-style: chr9-140056649-C-T.
Other names: c.1658C>T, p.Ser553Leu (NM_000832.7, NM_021569.4); c.1721C>T, p.Ser574Leu (NM_001185090.2, NM_001185091.2); short protein forms S553L, S574L.
Identifiers: ClinVar variation 1208495 (VCV001208495.3), dbSNP rs2131297379, ClinGen allele CA375717645.